The following is an entry in ClinVar:

NM_004360.5(CDH1):c.532-15T>C

Gene: CDH1 (cadherin 1; plus strand). Cytogenetic location: 16q22.1.
Variant type: single nucleotide variant.
Coding change: c.532-15T>C on transcript NM_004360.5 (MANE Select); 15 bases into the intron before coding-DNA position 532, T replaced by C.
Molecular consequence: intron variant.
Genome position (GRCh38, 1-based): chr16:68,808,678, T>C. VCF-style: chr16-68808678-T-C. GRCh37 (hg19) VCF-style: chr16-68842581-T-C.
Other names: c.-1084-15T>C (NM_001317185.2); c.-1288-15T>C (NM_001317186.2); c.532-15T>C (NM_001317184.2).
Identifiers: ClinVar variation 2156925 (VCV002156925.5), dbSNP rs1468672932, ClinGen allele CA623574729.
Genomic context (GRCh38, chr16:68,808,678, plus strand): 5'-CCAAGGAGAGAAAGGGAAAAGACCCAGTGTTGGGATCCTTCTTTACTAATTCTTTTTCTT[T>C]CATTTTGTCTTCAGATCAAATCCAACAAAGACAAAGAAGGCAAGGTTTTCTACAGCATCA-3'

ClinVar aggregate classification (germline): Likely benign. Review status: criteria provided, multiple submitters, no conflicts (2 of 4 stars). 2 submissions from 2 submitters: Likely benign (2). Last evaluated 2025-12-12.

Conditions:
Hereditary diffuse gastric adenocarcinoma (HDGC). Also called: DIFFUSE GASTRIC AND LOBULAR BREAST CANCER SYNDROME. Identifiers: Orphanet 26106, MedGen C1708349, MONDO:0007648, OMIM 137215.

Allele frequency attached by ClinVar (database versions not stated): gnomAD exomes below 0.00001; TOPMed 0.00001.
gnomAD v4.1: 2 of 1,614,080 alleles (0.00012%); highest among the groups gnomAD compares: Non-Finnish European, 0.00017%; no homozygotes.

Submissions (2):

Labcorp Genetics (formerly Invitae), Labcorp
Classification: Likely benign for Hereditary diffuse gastric adenocarcinoma. Last evaluated: 2025-12-12. Review status: criteria provided, single submitter. Criteria: Invitae Variant Classification Sherloc (09022015). Collection method: clinical testing. Allele origin: germline.

Myriad Genetics, Inc.
Classification: Likely benign for Hereditary diffuse gastric adenocarcinoma. Last evaluated: 2024-09-13. Review status: criteria provided, single submitter. Criteria: Myriad Autosomal Dominant, Autosomal Recessive and X-Linked Classification Criteria (2023). Collection method: clinical testing. Allele origin: unknown.
Comment: This variant is considered likely benign. This variant is intronic and is not expected to impact mRNA splicing.